The following is an entry in ClinVar:

NM_013444.4(UBQLN2):c.683C>A (p.Pro228Gln)

Gene: UBQLN2 (ubiquilin 2; plus strand). Cytogenetic location: Xp11.21.
Variant type: single nucleotide variant.
Coding change: c.683C>A on transcript NM_013444.4 (MANE Select); coding-DNA position 683, C replaced by A.
Protein change: p.Pro228Gln; replaces proline 228 with glutamine.
Molecular consequence: missense variant.
Genome position (GRCh38, 1-based): chrX:56,564,556, C>A. VCF-style: chrX-56564556-C-A. GRCh37 (hg19) VCF-style: chrX-56590989-C-A.
Other names: short protein forms P228Q.
Identifiers: ClinVar variation 3350345 (VCV003350345.2).

ClinVar aggregate classification (germline): Uncertain significance. Review status: criteria provided, single submitter (1 of 4 stars). 2 submissions from 2 submitters: Uncertain significance (1). 1 of the submissions does not count toward it. Last evaluated 2025-03-01.

Conditions:
UBQLN2-related disorder. Also called: UBQLN2-related condition.
Amyotrophic lateral sclerosis type 15. Also called: AMYOTROPHIC LATERAL SCLEROSIS 15 WITH FRONTOTEMPORAL DEMENTIA. Identifiers: Orphanet 803, MedGen C3275459, MONDO:0010459, OMIM 300857.

Submissions (2):

Labcorp Genetics (formerly Invitae), Labcorp
Classification: Uncertain significance for Amyotrophic lateral sclerosis type 15. Last evaluated: 2025-03-01. Review status: criteria provided, single submitter. Criteria: Invitae Variant Classification Sherloc (09022015). Collection method: clinical testing. Allele origin: germline.
Comment: This sequence change replaces proline, which is neutral and non-polar, with glutamine, which is neutral and polar, at codon 228 of the UBQLN2 protein (p.Pro228Gln). The frequency data for this variant in the population databases is considered unreliable, as metrics indicate poor data quality at this position in the gnomAD database. This variant has not been reported in the literature in individuals affected with UBQLN2-related conditions. ClinVar contains an entry for this variant (Variation ID: 3350345). Invitae Evidence Modeling of protein sequence and biophysical properties (such as structural, functional, and spatial information, amino acid conservation, physicochemical variation, residue mobility, and thermodynamic stability) indicates that this missense variant is expected to disrupt UBQLN2 protein function with a positive predictive value of 80%. In summary, the available evidence is currently insufficient to determine the role of this variant in disease. Therefore, it has been classified as a Variant of Uncertain Significance.

PreventionGenetics, part of Exact Sciences
Classification: Uncertain significance for UBQLN2-related condition. Last evaluated: 2024-03-19. Review status: no assertion criteria provided. Collection method: clinical testing. Allele origin: germline. Not counted in ClinVar's aggregate classification.
Comment: The UBQLN2 c.683C>A variant is predicted to result in the amino acid substitution p.Pro228Gln. To our knowledge, this variant has not been reported in the literature. This variant is reported in 0.0025% of alleles in individuals of European (Non-Finnish) descent in gnomAD. At this time, the clinical significance of this variant is uncertain due to the absence of conclusive functional and genetic evidence.